The following is an entry in ClinVar:

NM_014946.4(SPAST):c.1039C>T (p.Gln347Ter)

Gene: SPAST (spastin; plus strand). Cytogenetic location: 2p22.3.
Variant type: single nucleotide variant.
Coding change: c.1039C>T on transcript NM_014946.4 (MANE Select); coding-DNA position 1039, C replaced by T.
Protein change: p.Gln347Ter; replaces glutamine 347 with a stop codon.
Molecular consequence: nonsense.
Genome position (GRCh38, 1-based): chr2:32,116,153, C>T. VCF-style: chr2-32116153-C-T. GRCh37 (hg19) VCF-style: chr2-32341222-C-T.
Other names: c.1036C>T, p.Gln346Ter (NM_001363823.2); c.940C>T, p.Gln314Ter (NM_001363875.2); c.943C>T, p.Gln315Ter (NM_001377959.1, NM_199436.2); short protein forms Q347*, Q314*, Q346*, Q315*.
Identifiers: ClinVar variation 523507 (VCV000523507.53), dbSNP rs1553315329, ClinGen allele CA346499670.

ClinVar aggregate classification (germline): Pathogenic. Review status: criteria provided, multiple submitters, no conflicts (2 of 4 stars). 5 submissions from 5 submitters: Pathogenic (5). Last evaluated 2025-10-09.

Conditions:
Hereditary spastic paraplegia 4. Also called: Familial spastic paraplegia autosomal dominant 2; Spastic paraplegia 4, autosomal dominant; Spastic Paraplegia 4. Identifiers: Orphanet 100985, MedGen C1866855, MONDO:0008438, OMIM 182601.
Seizure. Also called: Seizures. Identifiers: MedGen C0036572, HP:0001250.
Fatigue. Identifiers: MedGen C0015672, HP:0012378.
Abnormal myelination. Identifiers: MedGen C1857704, HP:0012447.

Submissions (5):

Labcorp Genetics (formerly Invitae), Labcorp
Classification: Pathogenic for Hereditary spastic paraplegia 4. Last evaluated: 2025-10-09. Review status: criteria provided, single submitter. Criteria: Invitae Variant Classification Sherloc (09022015). Collection method: clinical testing. Allele origin: germline.
Comment: This sequence change creates a premature translational stop signal (p.Gln347*) in the SPAST gene. It is expected to result in an absent or disrupted protein product. Loss-of-function variants in SPAST are known to be pathogenic (PMID: 20932283). This variant is not present in population databases (gnomAD no frequency). This premature translational stop signal has been observed in individual(s) with SPAST-related conditions (PMID: 16832076). ClinVar contains an entry for this variant (Variation ID: 523507). For these reasons, this variant has been classified as Pathogenic.

Athena Diagnostics
Classification: Pathogenic. Last evaluated: 2023-06-19. Review status: criteria provided, single submitter. Criteria: Athena Diagnostics Criteria. Collection method: clinical testing. Allele origin: unknown.
Comment: This variant is expected to result in the loss of a functional protein. This variant has been identified in at least one individual with clinical features associated with this gene. This variant has not been reported in large, multi-ethnic general populations.

CeGaT Center for Human Genetics Tuebingen
Classification: Pathogenic. Last evaluated: 2020-05-01. Review status: criteria provided, single submitter. Criteria: CeGaT Center For Human Genetics Tuebingen Variant Classification Criteria Version 2. Collection method: clinical testing. Allele origin: germline. Affected: yes. Observed: 2 variant alleles.

Centre for Mendelian Genomics, University Medical Centre Ljubljana
Classification: Pathogenic for Abnormal myelination; Fatigue; Seizure. Last evaluated: 2017-01-01. Review status: criteria provided, single submitter. Criteria: ACMG Guidelines, 2015. Collection method: clinical testing. Allele origin: unknown. Affected: yes.

Paris Brain Institute, Inserm - ICM
Classification: Pathogenic for Hereditary spastic paraplegia 4. Review status: criteria provided, single submitter. Criteria: ACMG Guidelines, 2015. Collection method: clinical testing. Allele origin: unknown. Affected: yes. Observed: 1 variant allele.

Literature cited by the submitters: PubMed 20932283 (cited by Labcorp Genetics (formerly Invitae), Labcorp); PubMed 16832076 (cited by Labcorp Genetics (formerly Invitae), Labcorp and Athena Diagnostics).